The following is an entry in ClinVar:

ClinVar aggregate classification (germline): Uncertain significance (1 of 4 stars; one submission).

Allele frequency attached by ClinVar (database versions not stated): gnomAD exomes below 0.00001.

Submission:

Labcorp Genetics (formerly Invitae), Labcorp
Classification: Uncertain significance. Last evaluated: 2023-09-30. Review status: criteria provided, single submitter. Criteria: Invitae Variant Classification Sherloc (09022015). Collection method: clinical testing. Allele origin: germline.
Comment: This sequence change falls in intron 5 of the COMP gene. It does not directly change the encoded amino acid sequence of the COMP protein. This variant is not present in population databases (gnomAD no frequency). This variant has not been reported in the literature in individuals affected with COMP-related conditions. Experimental studies and prediction algorithms are not available or were not evaluated, and the effect of this variant on mRNA splicing is currently unknown. In summary, the available evidence is currently insufficient to determine the role of this variant in disease. Therefore, it has been classified as a Variant of Uncertain Significance.

NM_000095.3(COMP):c.529-27_529-4del

Gene: COMP (cartilage oligomeric matrix protein; minus strand). Cytogenetic location: 19p13.11.
Variant type: Deletion.
Coding change: c.529-27_529-4del on transcript NM_000095.3 (MANE Select); 27 bases into the intron before coding-DNA position 529 through 4 bases into the intron before coding-DNA position 529, 24 bases deleted (GGTGACCTCTGAGTTCCCCTCCCC).
Molecular consequence: intron variant.
Genome position (GRCh38, 1-based): chr19:18,788,917-18,788,940, GGGGAGGGGAACTCAGAGGTCACC deleted on the plus strand (GGTGACCTCTGAGTTCCCCTCCCC on the coding strand, the reverse complement: COMP is on the minus strand). VCF-style (leftmost placement, unchanged base first): chr19-18788916-AGGGGAGGGGAACTCAGAGGTCACC-A. GRCh37 (hg19) VCF-style: chr19-18899725-AGGGGAGGGGAACTCAGAGGTCACC-A.
Identifiers: ClinVar variation 3010171 (VCV003010171.3), dbSNP rs2512852803, ClinGen allele CA2583623037.